The following is an entry in ClinVar:

NM_016204.4(GDF2):c.1017C>T (p.Ile339=)

Gene: GDF2 (growth differentiation factor 2; plus strand). Cytogenetic location: 10q11.22.
Variant type: single nucleotide variant.
Coding change: c.1017C>T on transcript NM_016204.4 (MANE Select); coding-DNA position 1017, C replaced by T.
Protein change: p.Ile339=; no amino-acid change (isoleucine 339 retained).
Molecular consequence: synonymous variant.
Genome position (GRCh38, 1-based): chr10:47,325,511, C>T. VCF-style: chr10-47325511-C-T. GRCh37 (hg19) VCF-style: chr10-48413851-G-A.
Other names: p.Ile339=.
Identifiers: ClinVar variation 381779 (VCV000381779.19), dbSNP rs148730910, ClinGen allele CA5487964.

ClinVar aggregate classification (germline): Benign/Likely benign. Review status: criteria provided, multiple submitters, no conflicts (2 of 4 stars). 5 submissions from 5 submitters: Benign (1); Likely benign (4). Last evaluated 2026-02-04.

Conditions:
Cardiovascular phenotype. Identifiers: MedGen CN230736.
Telangiectasia, hereditary hemorrhagic, type 5 (HHT5). Identifiers: Orphanet 774, MedGen C3809710, MONDO:0014217, OMIM 615506.

Allele frequency attached by ClinVar (database versions not stated): 1000 Genomes Project 30x 0.00031; 1000 Genomes Project 0.00040; ExAC 0.00052; gnomAD exomes 0.00052 and 0.00152; ESP Exome Variant Server 0.00069; gnomAD 0.00075 and 0.00078; TOPMed 0.00076.

Submissions (5):

Labcorp Genetics (formerly Invitae), Labcorp
Classification: Benign for Telangiectasia, hereditary hemorrhagic, type 5. Last evaluated: 2026-02-04. Review status: criteria provided, single submitter. Criteria: Invitae Variant Classification Sherloc (09022015). Collection method: clinical testing. Allele origin: germline.

Mayo Clinic Laboratories, Mayo Clinic
Classification: Likely benign. Last evaluated: 2025-09-29. Review status: criteria provided, single submitter. Criteria: ACMG Guidelines, 2015. Collection method: clinical testing. Allele origin: germline. Observed: 5 variant alleles.
Comment: BS1, BP4, BP7

Blueprint Genetics
Classification: Likely benign. Last evaluated: 2024-11-06. Review status: criteria provided, single submitter. Criteria: ACMG Guidelines, 2015. Collection method: clinical testing. Allele origin: germline.

Ambry Genetics
Classification: Likely benign for Cardiovascular phenotype. Last evaluated: 2018-05-17. Review status: criteria provided, single submitter. Criteria: Ambry Variant Classification Scheme 2023. Collection method: clinical testing. Allele origin: germline.

GeneDx
Classification: Likely benign. Last evaluated: 2018-04-30. Review status: criteria provided, single submitter. Criteria: GeneDx Variant Classification Process June 2021. Collection method: clinical testing. Allele origin: germline. Affected: yes.